The following is an entry in ClinVar:

ClinVar aggregate classification (germline): Uncertain significance (1 of 4 stars; one submission).

Conditions:
RYR1-related disorder. Also called: RYR1-related condition; RYR1-related disorders. Identifiers: MedGen CN239331.

Submission:

Labcorp Genetics (formerly Invitae), Labcorp
Classification: Uncertain significance for RYR1-related disorder. Last evaluated: 2024-04-08. Review status: criteria provided, single submitter. Criteria: Invitae Variant Classification Sherloc (09022015). Collection method: clinical testing. Allele origin: germline.
Comment: This sequence change replaces glutamic acid, which is acidic and polar, with alanine, which is neutral and non-polar, at codon 4464 of the RYR1 protein (p.Glu4464Ala). This variant is not present in population databases (gnomAD no frequency). This variant has not been reported in the literature in individuals affected with RYR1-related conditions. Advanced modeling of protein sequence and biophysical properties (such as structural, functional, and spatial information, amino acid conservation, physicochemical variation, residue mobility, and thermodynamic stability) has been performed at Invitae for this missense variant, however the output from this modeling did not meet the statistical confidence thresholds required to predict the impact of this variant on RYR1 protein function. In summary, the available evidence is currently insufficient to determine the role of this variant in disease. Therefore, it has been classified as a Variant of Uncertain Significance.

NM_000540.3(RYR1):c.13391A>C (p.Glu4464Ala)

Gene: RYR1 (ryanodine receptor 1; plus strand). Cytogenetic location: 19q13.2.
Variant type: single nucleotide variant.
Coding change: c.13391A>C on transcript NM_000540.3 (MANE Select); coding-DNA position 13391, A replaced by C.
Protein change: p.Glu4464Ala; replaces glutamic acid 4464 with alanine.
Molecular consequence: missense variant.
Genome position (GRCh38, 1-based): chr19:38,565,725, A>C. VCF-style: chr19-38565725-A-C. GRCh37 (hg19) VCF-style: chr19-39056365-A-C.
Other names: c.13376A>C, p.Glu4459Ala (NM_001042723.2); short protein forms E4459A, E4464A.
Identifiers: ClinVar variation 2697479 (VCV002697479.3), dbSNP rs2514682279, ClinGen allele CA405675511.